The following is an entry in ClinVar:

NM_001128840.3(CACNA1D):c.3134C>T (p.Thr1045Met)

Gene: CACNA1D (calcium voltage-gated channel subunit alpha1 D; plus strand). Cytogenetic location: 3p21.1.
Variant type: single nucleotide variant.
Coding change: c.3134C>T on transcript NM_001128840.3 (MANE Select); coding-DNA position 3134, C replaced by T.
Protein change: p.Thr1045Met; replaces threonine 1045 with methionine.
Molecular consequence: missense variant.
Genome position (GRCh38, 1-based): chr3:53,745,842, C>T. VCF-style: chr3-53745842-C-T. GRCh37 (hg19) VCF-style: chr3-53779869-C-T.
Other names: c.3194C>T (NM_000720.3); c.3194C>T, p.Thr1065Met (NM_000720.4); c.3134C>T, p.Thr1045Met (NM_001128839.3); short protein forms T1065M, T1045M.
Identifiers: ClinVar variation 1363670 (VCV001363670.7), dbSNP rs773341387, ClinGen allele CA2454462.

ClinVar aggregate classification (germline): Uncertain significance. Review status: criteria provided, multiple submitters, no conflicts (2 of 4 stars). 2 submissions from 2 submitters: Uncertain significance (2). Last evaluated 2025-08-31.

Conditions:
CACNA1D-related disorder.

Allele frequency attached by ClinVar (database versions not stated): ExAC 0.00001; gnomAD exomes 0.00001 and 0.00004.
gnomAD v4.1: 57 of 1,613,710 alleles (0.0035%); highest among the groups gnomAD compares: Non-Finnish European, 0.0047%; no homozygotes.

Submissions (2):

PreventionGenetics, part of Exact Sciences
Classification: Uncertain significance for CACNA1D-related condition. Last evaluated: 2025-08-31. Review status: criteria provided, single submitter. Criteria: ACMG Guidelines, 2015. Collection method: clinical testing. Allele origin: germline.
Comment: The CACNA1D c.3194C>T variant is predicted to result in the amino acid substitution p.Thr1065Met. To our knowledge, this variant has not been reported in the literature. This variant is reported in 0.0029% of alleles in individuals of Latino descent in gnomAD. At this time, the clinical significance of this variant is uncertain due to the absence of conclusive functional and genetic evidence.

Labcorp Genetics (formerly Invitae), Labcorp
Classification: Uncertain significance. Last evaluated: 2022-08-27. Review status: criteria provided, single submitter. Criteria: Invitae Variant Classification Sherloc (09022015). Collection method: clinical testing. Allele origin: germline.
Comment: This sequence change replaces threonine, which is neutral and polar, with methionine, which is neutral and non-polar, at codon 1065 of the CACNA1D protein (p.Thr1065Met). In summary, the available evidence is currently insufficient to determine the role of this variant in disease. Therefore, it has been classified as a Variant of Uncertain Significance. Algorithms developed to predict the effect of missense changes on protein structure and function are either unavailable or do not agree on the potential impact of this missense change (SIFT: "Deleterious"; PolyPhen-2: "Probably Damaging"; Align-GVGD: "Class C15"). ClinVar contains an entry for this variant (Variation ID: 1363670). This variant has not been reported in the literature in individuals affected with CACNA1D-related conditions. This variant is present in population databases (rs773341387, gnomAD 0.003%).